The following is an entry in ClinVar:

ClinVar aggregate classification (germline): Conflicting classifications of pathogenicity. Review status: criteria provided, conflicting classifications (1 of 4 stars). 3 submissions from 3 submitters: Uncertain significance (2); Benign (1). Last evaluated 2025-08-10.

Conditions:
Quebec platelet disorder (QPD). Also called: BLEEDING DISORDER, PLATELET-TYPE, 5; FACTOR V QUEBEC. Identifiers: Orphanet 220436, MedGen C1866423, MONDO:0011136, OMIM 601709.

Allele frequency attached by ClinVar (database versions not stated): ESP Exome Variant Server 0.00008; TOPMed 0.00014; gnomAD 0.00022; 1000 Genomes Project 30x 0.00047; 1000 Genomes Project 0.00060.

Submissions (3):

Ambry Genetics
Classification: Uncertain significance. Last evaluated: 2025-08-10. Review status: criteria provided, single submitter. Criteria: Ambry Variant Classification Scheme 2023. Collection method: clinical testing. Allele origin: germline.

Mayo Clinic Laboratories, Mayo Clinic
Classification: Uncertain significance. Last evaluated: 2024-02-12. Review status: criteria provided, single submitter. Criteria: ACMG Guidelines, 2015. Collection method: clinical testing. Allele origin: germline. Observed: 1 variant allele.
Comment: BS1, PM1_supporting

Illumina Laboratory Services, Illumina
Classification: Benign for Quebec platelet disorder. Last evaluated: 2018-01-13. Review status: criteria provided, single submitter. Criteria: ICSL Variant Classification Criteria 13 December 2019. Collection method: clinical testing. Allele origin: germline.
Comment: This variant was observed in the ICSL laboratory as part of a predisposition screen in an ostensibly healthy population. It had not been previously curated by ICSL or reported in the Human Gene Mutation Database (HGMD: prior to June 1st, 2018), and was therefore a candidate for classification through an automated scoring system. Utilizing variant allele frequency, disease prevalence and penetrance estimates, and inheritance mode, an automated score was calculated to assess if this variant is too frequent to cause the disease. Based on the score and internal cut-off values, a variant classified as benign is not then subjected to further curation. The score for this variant resulted in a classification of benign for this disease.

NM_002658.6(PLAU):c.236G>A (p.Arg79Gln)

Genes: PLAU (plasminogen activator, urokinase; plus strand), C10orf55 (chromosome 10 putative open reading frame 55; minus strand). Cytogenetic location: 10q22.2.
Variant type: single nucleotide variant.
Coding change: c.236G>A on transcript NM_002658.6 (MANE Select); coding-DNA position 236, G replaced by A.
Protein change: p.Arg79Gln; replaces arginine 79 with glutamine.
Molecular consequence: missense variant. On other transcripts: non-coding transcript variant (1), 5 prime UTR variant (1).
Genome position (GRCh38, 1-based): chr10:73,912,966, G>A. VCF-style: chr10-73912966-G-A. GRCh37 (hg19) VCF-style: chr10-75672724-G-A.
Other names: p.Arg79Gln; c.236G>A (NM_002658.5); c.185G>A, p.Arg62Gln (NM_001145031.3); c.-23G>A (NM_001319191.2); short protein forms R62Q, R79Q.
Identifiers: ClinVar variation 300745 (VCV000300745.7), dbSNP rs201299522, ClinGen allele CA5562366.
Genomic context (GRCh38, chr10:73,912,966, plus strand): 5'-CCTCCTGTCCCCTTGTAGATAAGTCAAAAACCTGCTATGAGGGGAATGGTCACTTTTACC[G>A]AGGAAAGGCCAGCACTGACACCATGGGCCGGCCCTGCCTGCCCTGGAACTCTGCCACTGT-3'
Protein context (NP_002649.2, residues 69-89): TCYEGNGHFY[Arg79Gln]GKASTDTMGR